The following is an entry in ClinVar:

ClinVar aggregate classification (germline): Uncertain significance (1 of 4 stars; one submission).

Conditions:
Ehlers-Danlos syndrome, spondylodysplastic type, 2 (EDSSPD2). Also called: Ehlers-Danlos syndrome, progeroid type, 2. Identifiers: Orphanet 536467, Orphanet 75496, MedGen C3809210, MONDO:0014139, OMIM 615349.
Spondyloepimetaphyseal dysplasia with joint laxity (SEMDJL). Identifiers: MedGen C0432243, MONDO:0019675.

Allele frequency attached by ClinVar (database versions not stated): TOPMed below 0.00001; gnomAD exomes 0.00001; ExAC 0.00026.

Submission:

Labcorp Genetics (formerly Invitae), Labcorp
Classification: Uncertain significance for Ehlers-Danlos syndrome, spondylodysplastic type, 2; Spondyloepimetaphyseal dysplasia with joint laxity. Last evaluated: 2022-03-14. Review status: criteria provided, single submitter. Criteria: Invitae Variant Classification Sherloc (09022015). Collection method: clinical testing. Allele origin: germline.
Comment: This sequence change replaces arginine, which is basic and polar, with histidine, which is basic and polar, at codon 177 of the B3GALT6 protein (p.Arg177His). The frequency data for this variant in the population databases is considered unreliable, as metrics indicate poor data quality at this position in the gnomAD database. This variant has not been reported in the literature in individuals affected with B3GALT6-related conditions. Algorithms developed to predict the effect of missense changes on protein structure and function (SIFT, PolyPhen-2, Align-GVGD) all suggest that this variant is likely to be tolerated. In summary, the available evidence is currently insufficient to determine the role of this variant in disease. Therefore, it has been classified as a Variant of Uncertain Significance.

NM_080605.4(B3GALT6):c.530G>A (p.Arg177His)

Gene: B3GALT6 (beta-1,3-galactosyltransferase 6; plus strand). Cytogenetic location: 1p36.33.
Variant type: single nucleotide variant.
Coding change: c.530G>A on transcript NM_080605.4 (MANE Select); coding-DNA position 530, G replaced by A.
Protein change: p.Arg177His; replaces arginine 177 with histidine.
Molecular consequence: missense variant.
Genome position (GRCh38, 1-based): chr1:1,232,808, G>A. VCF-style: chr1-1232808-G-A. GRCh37 (hg19) VCF-style: chr1-1168188-G-A.
Other names: short protein forms R177H.
Identifiers: ClinVar variation 2046034 (VCV002046034.3), dbSNP rs778482110, ClinGen allele CA513376.
Genomic context (GRCh38, chr1:1,232,808, plus strand): 5'-ACGACTCCTTCGCGCGGCTGGACGCGCTGCTGGCCGAGCTGCGCGCCCGCGAGCCCGCGC[G>A]CCGCCGCCGCCTCTACTGGGGCTTCTTCTCGGGCCGCGGCCGCGTCAAGCCGGGGGGGCG-3'
Protein context (NP_542172.2, residues 167-187): LAELRAREPA[Arg177His]RRRLYWGFFS